The following is an entry in ClinVar:

NM_000289.6(PFKM):c.1338del (p.Gln447fs)

Gene: PFKM (phosphofructokinase, muscle; plus strand). Cytogenetic location: 12q13.11.
Variant type: Deletion.
Coding change: c.1338del on transcript NM_000289.6 (MANE Select); coding-DNA position 1338, one base deleted (G; older notation c.1338delG).
Protein change: p.Gln447fs; shifts the reading frame from glutamine 447.
Molecular consequence: frameshift variant. On other transcripts: non-coding transcript variant (6).
Genome position (GRCh38, 1-based): chr12:48,140,868, G deleted; the last of 4 consecutive G bases (chr12:48,140,865-48,140,868); deleting any one gives the same sequence. VCF-style (leftmost placement, unchanged base first): chr12-48140864-AG-A. GRCh37 (hg19) VCF-style: chr12-48534647-AG-A.
Other names: c.1647del, p.Gln550fs (NM_001354736.1, NM_001354735.1); c.1551del, p.Gln518fs (NM_001354737.1, NM_001354738.1, NM_001354739.1 and 1 more transcripts); c.1482del, p.Gln495fs (NM_001354740.1); c.1362del, p.Gln455fs (NM_001354741.2); c.1338del, p.Gln447fs (NM_001354742.2, NM_001354743.2, NM_001354744.2 and 2 more transcripts); c.1251del, p.Gln418fs (NM_001354745.2); c.1212del, p.Gln405fs (NM_001354746.2); c.1188del, p.Gln397fs (NM_001354747.2, NM_001354748.2); and 1 more; short protein forms Q455fs, Q397fs, Q405fs, Q495fs, Q518fs, Q550fs, Q416fs, Q418fs.
Identifiers: ClinVar variation 1453757 (VCV001453757.7), dbSNP rs2135995131, ClinGen allele CA2573148739.
Genomic context (GRCh38, chr12:48,140,864, plus strand): 5'-TTGGCCTTATCCAGGGCAACCGAGTGCTCGTTGTCCATGATGGTTTCGAGGGCCTGGCCA[AG>A]GGGCAGGTATGGGGACTATTCTGGGACCTAGGAGCAGTCATGGGGAAGATAAGTGTAGCA-3'

ClinVar aggregate classification (germline): Pathogenic/Likely pathogenic. Review status: criteria provided, multiple submitters, no conflicts (2 of 4 stars). 2 submissions from 2 submitters: Pathogenic (1); Likely pathogenic (1). Last evaluated 2024-01-08.

Conditions:
Glycogen storage disease, type VII (GSD7). Also called: MUSCLE PHOSPHOFRUCTOKINASE DEFICIENCY; PFKM DEFICIENCY; TARUI DISEASE; GSD VII. Identifiers: Orphanet 371, MedGen C0017926, MONDO:0009295, OMIM 232800.

Submissions (2):

Baylor Genetics
Classification: Likely pathogenic for Glycogen storage disease, type VII. Last evaluated: 2024-01-08. Review status: criteria provided, single submitter. Criteria: ACMG Guidelines, 2015. Collection method: clinical testing. Allele origin: unknown.

Labcorp Genetics (formerly Invitae), Labcorp
Classification: Pathogenic for Glycogen storage disease, type VII. Last evaluated: 2021-10-03. Review status: criteria provided, single submitter. Criteria: Invitae Variant Classification Sherloc (09022015). Collection method: clinical testing. Allele origin: germline.
Comment: This sequence change creates a premature translational stop signal (p.Gln447Argfs*2) in the PFKM gene. It is expected to result in an absent or disrupted protein product. Loss-of-function variants in PFKM are known to be pathogenic (PMID: 7825568, 8037209). For these reasons, this variant has been classified as Pathogenic. This variant has not been reported in the literature in individuals affected with PFKM-related conditions. This variant is not present in population databases (ExAC no frequency).

Literature cited by the submitters: PubMed 7825568 (cited by Labcorp Genetics (formerly Invitae), Labcorp); PubMed 8037209 (cited by Labcorp Genetics (formerly Invitae), Labcorp).